The following is an entry in ClinVar:

NM_178822.5(IGSF10):c.823G>A (p.Ala275Thr)

Gene: IGSF10 (immunoglobulin superfamily member 10; minus strand). Cytogenetic location: 3q25.1.
Variant type: single nucleotide variant.
Coding change: c.823G>A on transcript NM_178822.5 (MANE Select); coding-DNA position 823, G replaced by A.
Protein change: p.Ala275Thr; replaces alanine 275 with threonine.
Molecular consequence: missense variant.
Genome position (GRCh38, 1-based): chr3:151,449,158, C>T on the plus strand (G>A on the coding strand, the complement: IGSF10 is on the minus strand). VCF-style: chr3-151449158-C-T. GRCh37 (hg19) VCF-style: chr3-151166946-C-T.
Other names: c.823G>A, p.Ala275Thr (NM_001385060.1, NM_001385061.1, NM_001385062.1 and 1 more transcripts); short protein forms A275T.
Identifiers: ClinVar variation 2363741 (VCV002363741.6), dbSNP rs566748946, ClinGen allele CA2670660.
Genomic context (GRCh38, chr3:151,449,158, plus strand): 5'-TAGTCAGGCTCTTTGATTTCAGGGATGAGTCAATGGTTGGCTTGGCACACTGGAAAGCTG[C>T]AGCTGAGACCATAGCTAACGGCTTGCCTTTAGAAGTCCTAGGGTTCATGCAAAGTGGACA-3'
Protein context (NP_849144.2, residues 265-285): KGKPLAMVSA[Ala275Thr]AFQCAKPTID

ClinVar aggregate classification (germline): Uncertain significance. Review status: criteria provided, multiple submitters, no conflicts (2 of 4 stars). 2 submissions from 2 submitters: Uncertain significance (2). Last evaluated 2025-02-04.

Allele frequency attached by ClinVar (database versions not stated): gnomAD exomes 0.00010; gnomAD 0.00011; ExAC 0.00012; TOPMed 0.00018.
gnomAD v4.1: 171 of 1,614,194 alleles (0.011%); highest among the groups gnomAD compares: Middle Eastern, 0.099%; 1 homozygote.

Submissions (2):

Ambry Genetics
Classification: Uncertain significance. Last evaluated: 2025-02-04. Review status: criteria provided, single submitter. Criteria: Ambry Variant Classification Scheme 2023. Collection method: clinical testing. Allele origin: germline.

Labcorp Genetics (formerly Invitae), Labcorp
Classification: Uncertain significance. Last evaluated: 2023-11-07. Review status: criteria provided, single submitter. Criteria: Invitae Variant Classification Sherloc (09022015). Collection method: clinical testing. Allele origin: germline.
Comment: This sequence change replaces alanine, which is neutral and non-polar, with threonine, which is neutral and polar, at codon 275 of the IGSF10 protein (p.Ala275Thr). This variant is present in population databases (rs566748946, gnomAD 0.04%). This variant has not been reported in the literature in individuals affected with IGSF10-related conditions. ClinVar contains an entry for this variant (Variation ID: 2363741). Algorithms developed to predict the effect of missense changes on protein structure and function output the following: SIFT: "Not Available"; PolyPhen-2: "Benign"; Align-GVGD: "Not Available". The threonine amino acid residue is found in multiple mammalian species, which suggests that this missense change does not adversely affect protein function. In summary, the available evidence is currently insufficient to determine the role of this variant in disease. Therefore, it has been classified as a Variant of Uncertain Significance.